The following is an entry in ClinVar:

ClinVar aggregate classification (germline): Uncertain significance. Review status: criteria provided, multiple submitters, no conflicts (2 of 4 stars). 5 submissions from 5 submitters: Uncertain significance (4). 1 of the submissions does not count toward it. Last evaluated 2025-04-16.

Conditions:
CEP290-related disorder. Also called: CEP290-related disorders; CEP290-related condition. Identifiers: MedGen CN239314.
Leber congenital amaurosis (LCA). Also called: Leber's amaurosis. Identifiers: Orphanet 65, MedGen C0339527, MeSH D057130, MONDO:0018998.
Inborn genetic diseases. Identifiers: MedGen C0950123, MeSH D030342.
Joubert syndrome. Also called: Familial aplasia of the vermis; JOUBERT-BOLTSHAUSER SYNDROME. Identifiers: Orphanet 475, MedGen C5979921, MONDO:0018772.
Nephronophthisis. Also called: Juvenile Nephronophthisis. Identifiers: Orphanet 655, MedGen C0687120, MONDO:0019005, HP:0000090.
Meckel-Gruber syndrome. Also called: DYSENCEPHALIA SPLANCHNOCYSTICA; GRUBER SYNDROME; Dysencephalia splachnocystica. Identifiers: Orphanet 564, MedGen C0265215, MONDO:0018921.
Bardet-Biedl syndrome 14 (BBS14). Identifiers: Orphanet 110, MedGen C2673874, MONDO:0014442, OMIM 615991.
Senior-Loken syndrome 6 (SLSN6). Identifiers: Orphanet 3156, MedGen C1857779, MONDO:0012433, OMIM 610189.
Meckel syndrome, type 4 (MKS4). Also called: MECKEL-GRUBER SYNDROME, TYPE 4. Identifiers: Orphanet 564, MedGen C1970161, MONDO:0012626, OMIM 611134.
Joubert syndrome 5 (JBTS5). Identifiers: Orphanet 2318, MedGen C1857780, MONDO:0012432, OMIM 610188.
Leber congenital amaurosis 10 (LCA10). Identifiers: Orphanet 65, MedGen C1857821, MONDO:0012723, OMIM 611755.

Allele frequency attached by ClinVar (database versions not stated): gnomAD 0.00002; gnomAD exomes 0.00002; TOPMed 0.00003; ExAC 0.00006.
gnomAD v4.1: 16 of 1,597,494 alleles (0.001%); highest among the groups gnomAD compares: African/African-American, 0.0094%; no homozygotes.

Submissions (5):

PreventionGenetics, part of Exact Sciences
Classification: Uncertain significance for CEP290-related condition. Last evaluated: 2025-04-16. Review status: criteria provided, single submitter. Criteria: ACMG Guidelines, 2015. Collection method: clinical testing. Allele origin: germline.
Comment: The CEP290 c.4268G>A variant is predicted to result in the amino acid substitution p.Arg1423His. To our knowledge, this variant has not been reported in the literature. This variant is reported in 0.013% of alleles in individuals of African descent in gnomAD. At this time, the clinical significance of this variant is uncertain due to the absence of conclusive functional and genetic evidence.

Labcorp Genetics (formerly Invitae), Labcorp
Classification: Uncertain significance for Joubert syndrome; Meckel-Gruber syndrome; Nephronophthisis. Last evaluated: 2024-12-09. Review status: criteria provided, single submitter. Criteria: Invitae Variant Classification Sherloc (09022015). Collection method: clinical testing. Allele origin: germline.
Comment: This sequence change replaces arginine, which is basic and polar, with histidine, which is basic and polar, at codon 1423 of the CEP290 protein (p.Arg1423His). The frequency data for this variant in the population databases is considered unreliable, as metrics indicate poor data quality at this position in the gnomAD database. This variant has not been reported in the literature in individuals affected with CEP290-related conditions. ClinVar contains an entry for this variant (Variation ID: 836925). Invitae Evidence Modeling of protein sequence and biophysical properties (such as structural, functional, and spatial information, amino acid conservation, physicochemical variation, residue mobility, and thermodynamic stability) indicates that this missense variant is not expected to disrupt CEP290 protein function with a negative predictive value of 80%. In summary, the available evidence is currently insufficient to determine the role of this variant in disease. Therefore, it has been classified as a Variant of Uncertain Significance.

Fulgent Genetics
Classification: Uncertain significance for Joubert syndrome 5; Senior-Loken syndrome 6; Meckel syndrome, type 4; Leber congenital amaurosis 10; Bardet-Biedl syndrome 14. Last evaluated: 2024-01-05. Review status: criteria provided, single submitter. Criteria: ACMG Guidelines, 2015. Collection method: clinical testing. Allele origin: germline.

Ambry Genetics
Classification: Uncertain significance for Inborn genetic diseases. Last evaluated: 2022-06-24. Review status: criteria provided, single submitter. Criteria: Ambry Variant Classification Scheme 2023. Collection method: clinical testing. Allele origin: germline.

Natera, Inc.
Classification: Uncertain significance for Leber congenital amaurosis. Last evaluated: 2020-01-24. Review status: no assertion criteria provided. Collection method: clinical testing. Allele origin: germline. Not counted in ClinVar's aggregate classification.

NM_025114.4(CEP290):c.4268G>A (p.Arg1423His)

Gene: CEP290 (centrosomal protein 290; minus strand). Cytogenetic location: 12q21.32.
Variant type: single nucleotide variant.
Coding change: c.4268G>A on transcript NM_025114.4 (MANE Select); coding-DNA position 4268, G replaced by A.
Protein change: p.Arg1423His; replaces arginine 1423 with histidine.
Molecular consequence: missense variant.
Genome position (GRCh38, 1-based): chr12:88,086,425, C>T on the plus strand (G>A on the coding strand, the complement: CEP290 is on the minus strand). VCF-style: chr12-88086425-C-T. GRCh37 (hg19) VCF-style: chr12-88480202-C-T.
Other names: short protein forms R1423H.
Identifiers: ClinVar variation 836925 (VCV000836925.9), dbSNP rs774025278, ClinGen allele CA6711989.
Genomic context (GRCh38, chr12:88,086,425, plus strand): 5'-TAACAAACAAGATTAATCATTCATACCTTTTGTGCCGCATTTAGTATTTCATTTTGCTGA[C>T]GGTCAAAAATGTCTAGTTGGCGTTCCAGGTCAACTTCTCTTTGATCCCAGGCCATTTGTC-3'
Protein context (NP_079390.3, residues 1413-1433): DLERQLDIFD[Arg1423His]QQNEILNAAQ